The following is an entry in ClinVar:

ClinVar aggregate classification (germline): Benign (0 of 4 stars; one submission).

Conditions:
ALPK2-related disorder. Also called: ALPK2-related condition.

Allele frequency attached by ClinVar (database versions not stated): 1000 Genomes Project 0.40435; 1000 Genomes Project 30x 0.40646; ESP Exome Variant Server 0.43487; ExAC 0.45784; TOPMed 0.48460; gnomAD 0.49193; gnomAD exomes 0.52602.
gnomAD v4.1: 842,187 of 1,613,646 alleles (52%); highest among the groups gnomAD compares: Non-Finnish European, 56%; 224,510 homozygotes.

Submission:

PreventionGenetics, part of Exact Sciences
Classification: Benign for ALPK2-related condition. Last evaluated: 2019-10-17. Review status: no assertion criteria provided. Collection method: clinical testing. Allele origin: germline.
Comment: This variant is classified as benign based on ACMG/AMP sequence variant interpretation guidelines (Richards et al. 2015 PMID: 25741868, with internal and published modifications).

NM_052947.4(ALPK2):c.3009G>A (p.Arg1003=)

Gene: ALPK2 (alpha kinase 2; minus strand). Cytogenetic location: 18q21.31.
Variant type: single nucleotide variant.
Coding change: c.3009G>A on transcript NM_052947.4 (MANE Select); coding-DNA position 3009, G replaced by A.
Protein change: p.Arg1003=; no amino-acid change (arginine 1003 retained).
Molecular consequence: synonymous variant.
Genome position (GRCh38, 1-based): chr18:58,537,178, C>T on the plus strand (G>A on the coding strand, the complement: ALPK2 is on the minus strand). VCF-style: chr18-58537178-C-T. GRCh37 (hg19) VCF-style: chr18-56204410-C-T.
Identifiers: ClinVar variation 3060825 (VCV003060825.2), dbSNP rs55910046, ClinGen allele CA8976974.